The following is an entry in ClinVar:

ClinVar aggregate classification (germline): Likely benign. Review status: criteria provided, multiple submitters, no conflicts (2 of 4 stars). 3 submissions from 3 submitters: Likely benign (3). Last evaluated 2025-07-23.

Conditions:
Inborn genetic diseases. Identifiers: MedGen C0950123, MeSH D030342.
Combined immunodeficiency due to LRBA deficiency. Also called: Common variable immunodeficiency 8, with autoimmunity. Identifiers: Orphanet 445018, MedGen C3553512, MONDO:0013863, OMIM 614700.

Allele frequency attached by ClinVar (database versions not stated): gnomAD 0.00001; 1000 Genomes Project 30x 0.00016; 1000 Genomes Project 0.00020.
gnomAD v4.1: 20 of 1,614,060 alleles (0.0012%); highest among the groups gnomAD compares: Middle Eastern, 0.016%; no homozygotes.

Submissions (3):

Mayo Clinic Laboratories, Mayo Clinic
Classification: Likely benign. Last evaluated: 2025-07-23. Review status: criteria provided, single submitter. Criteria: ACMG Guidelines, 2015. Collection method: clinical testing. Allele origin: germline. Observed: 1 variant allele.
Comment: BP4, BP7

Labcorp Genetics (formerly Invitae), Labcorp
Classification: Likely benign for Combined immunodeficiency due to LRBA deficiency. Last evaluated: 2024-06-12. Review status: criteria provided, single submitter. Criteria: Invitae Variant Classification Sherloc (09022015). Collection method: clinical testing. Allele origin: germline.

Ambry Genetics
Classification: Likely benign for Inborn genetic diseases. Last evaluated: 2024-03-15. Review status: criteria provided, single submitter. Criteria: Ambry Variant Classification Scheme 2023. Collection method: clinical testing. Allele origin: germline.

NM_001364905.1(LRBA):c.8451G>A (p.Ala2817=)

Gene: LRBA (LPS responsive beige-like anchor protein; minus strand). Cytogenetic location: 4q31.3.
Variant type: single nucleotide variant.
Coding change: c.8451G>A on transcript NM_001364905.1 (MANE Select); coding-DNA position 8451, G replaced by A.
Protein change: p.Ala2817=; no amino-acid change (alanine 2817 retained).
Molecular consequence: synonymous variant.
Genome position (GRCh38, 1-based): chr4:150,277,870, C>T on the plus strand (G>A on the coding strand, the complement: LRBA is on the minus strand). VCF-style: chr4-150277870-C-T. GRCh37 (hg19) VCF-style: chr4-151199022-C-T.
Other names: p.Ala2828=; c.8448G>A, p.Ala2816= (NM_001199282.3); c.8466G>A, p.Ala2822= (NM_001367550.1); c.8484G>A, p.Ala2828= (NM_006726.5).
Identifiers: ClinVar variation 1116177 (VCV001116177.11), dbSNP rs566917747, ClinGen allele CA107808672.